The following is an entry in ClinVar:

ClinVar aggregate classification (germline): Uncertain significance. Review status: criteria provided, multiple submitters, no conflicts (2 of 4 stars). 2 submissions from 2 submitters: Uncertain significance (2). Last evaluated 2024-12-04.

Conditions:
RYR1-related disorder. Also called: RYR1-related disorders; RYR1-related condition. Identifiers: MedGen CN239331.

Submissions (2):

Labcorp Genetics (formerly Invitae), Labcorp
Classification: Uncertain significance for RYR1-related disorder. Last evaluated: 2024-12-04. Review status: criteria provided, single submitter. Criteria: Invitae Variant Classification Sherloc (09022015). Collection method: clinical testing. Allele origin: germline.
Comment: This sequence change replaces histidine, which is basic and polar, with leucine, which is neutral and non-polar, at codon 4887 of the RYR1 protein (p.His4887Leu). This variant is not present in population databases (gnomAD no frequency). This missense change has been observed in individual(s) with clinical features of congenital myopathy (PMID: 32236737). ClinVar contains an entry for this variant (Variation ID: 590468). Invitae Evidence Modeling of protein sequence and biophysical properties (such as structural, functional, and spatial information, amino acid conservation, physicochemical variation, residue mobility, and thermodynamic stability) indicates that this missense variant is expected to disrupt RYR1 protein function with a positive predictive value of 80%. In summary, the available evidence is currently insufficient to determine the role of this variant in disease. Therefore, it has been classified as a Variant of Uncertain Significance.

PreventionGenetics, part of Exact Sciences
Classification: Uncertain significance. Last evaluated: 2016-08-18. Review status: criteria provided, single submitter. Criteria: ACMG Guidelines, 2015. Collection method: clinical testing. Allele origin: germline.

Literature cited by the submitters: PubMed 32236737 (cited by Labcorp Genetics (formerly Invitae), Labcorp).

NM_000540.3(RYR1):c.14660A>T (p.His4887Leu)

Gene: RYR1 (ryanodine receptor 1; plus strand). Cytogenetic location: 19q13.2.
Variant type: single nucleotide variant.
Coding change: c.14660A>T on transcript NM_000540.3 (MANE Select); coding-DNA position 14660, A replaced by T.
Protein change: p.His4887Leu; replaces histidine 4887 with leucine.
Molecular consequence: missense variant.
Genome position (GRCh38, 1-based): chr19:38,584,956, A>T. VCF-style: chr19-38584956-A-T. GRCh37 (hg19) VCF-style: chr19-39075596-A-T.
Other names: c.14645A>T, p.His4882Leu (NM_001042723.2); short protein forms H4887L, H4882L.
Identifiers: ClinVar variation 590468 (VCV000590468.4), dbSNP rs1568611398, ClinGen allele CA405690118.
Genomic context (GRCh38, chr19:38,584,956, plus strand): 5'-CAGTGAATGTCGAATGAATGAGTGACCAGTGTGCTCCCCTCCCTCAGTGTTACCTGTTTC[A>T]CATGTACGTGGGTGTCCGGGCTGGCGGAGGCATTGGGGACGAGATCGAGGACCCCGCGGG-3'
Protein context (NP_000531.2, residues 4877-4897): CDDMMTCYLF[His4887Leu]MYVGVRAGGG